The following is an entry in ClinVar:

NM_024675.4(PALB2):c.662T>C (p.Val221Ala)

Gene: PALB2 (partner and localizer of BRCA2; minus strand). Cytogenetic location: 16p12.2.
Variant type: single nucleotide variant.
Coding change: c.662T>C on transcript NM_024675.4 (MANE Select); coding-DNA position 662, T replaced by C.
Protein change: p.Val221Ala; replaces valine 221 with alanine.
Molecular consequence: missense variant.
Genome position (GRCh38, 1-based): chr16:23,635,884, A>G on the plus strand (T>C on the coding strand, the complement: PALB2 is on the minus strand). VCF-style: chr16-23635884-A-G. GRCh37 (hg19) VCF-style: chr16-23647205-A-G.
Other names: short protein forms V221A.
Identifiers: ClinVar variation 1046832 (VCV001046832.9), dbSNP rs1967030851, ClinGen allele CA395136460.
Genomic context (GRCh38, chr16:23,635,884, plus strand): 5'-TTAGGTCTTCTTAGGAATGTATCAACACCTTTTTCTGGTTGGGCAGTTGGTGGAATTAAT[A>G]CACTGTCTTCATTAATTTCTGTAACTGGTTCTGGAGAATCTGGAAGTTCAGATTTAAGAC-3'
Protein context (NP_078951.2, residues 211-231): EPVTEINEDS[Val221Ala]LIPPTAQPEK

ClinVar aggregate classification (germline): Uncertain significance (1 of 4 stars; one submission).

Conditions:
Familial cancer of breast. Also called: Hereditary breast cancer; hereditary breast carcinoma; BREAST CANCER, FAMILIAL. Identifiers: Orphanet 227535, MedGen C0346153, MONDO:0016419, OMIM 114480. Disease mechanism: loss of function.

Submission:

Labcorp Genetics (formerly Invitae), Labcorp
Classification: Uncertain significance for Familial cancer of breast. Last evaluated: 2022-09-01. Review status: criteria provided, single submitter. Criteria: Invitae Variant Classification Sherloc (09022015). Collection method: clinical testing. Allele origin: germline.
Comment: In summary, the available evidence is currently insufficient to determine the role of this variant in disease. Therefore, it has been classified as a Variant of Uncertain Significance. Algorithms developed to predict the effect of missense changes on protein structure and function output the following: SIFT: "Deleterious"; PolyPhen-2: "Benign"; Align-GVGD: "Class C0". The alanine amino acid residue is found in multiple mammalian species, which suggests that this missense change does not adversely affect protein function. ClinVar contains an entry for this variant (Variation ID: 1046832). This variant has not been reported in the literature in individuals affected with PALB2-related conditions. This variant is not present in population databases (gnomAD no frequency). This sequence change replaces valine, which is neutral and non-polar, with alanine, which is neutral and non-polar, at codon 221 of the PALB2 protein (p.Val221Ala).